The following is an entry in ClinVar:

NM_003322.6(TULP1):c.187G>T (p.Gly63Ter)

Gene: TULP1 (TUB like protein 1; minus strand). Cytogenetic location: 6p21.31.
Variant type: single nucleotide variant.
Coding change: c.187G>T on transcript NM_003322.6 (MANE Select); coding-DNA position 187, G replaced by T.
Protein change: p.Gly63Ter; replaces glycine 63 with a stop codon.
Molecular consequence: nonsense.
Genome position (GRCh38, 1-based): chr6:35,512,183, C>A on the plus strand (G>T on the coding strand, the complement: TULP1 is on the minus strand). VCF-style: chr6-35512183-C-A. GRCh37 (hg19) VCF-style: chr6-35479960-C-A.
Other names: c.187G>T, p.Gly63Ter (NM_001289395.2); c.187G>T (NM_003322.5); short protein forms G63*.
Identifiers: ClinVar variation 1065768 (VCV001065768.9), dbSNP rs757725696, ClinGen allele CA3773004.

ClinVar aggregate classification (germline): Pathogenic/Likely pathogenic. Review status: criteria provided, multiple submitters, no conflicts (2 of 4 stars). 6 submissions from 6 submitters: Pathogenic (5); Likely pathogenic (1). Last evaluated 2024-12-19.

Conditions:
Retinitis pigmentosa 14 (RP14). Also called: RETINITIS PIGMENTOSA, JUVENILE, TULP1-RELATED. Identifiers: Orphanet 791, MedGen C1838603, MONDO:0010827, OMIM 600132.
Leber congenital amaurosis 15 (LCA15). Identifiers: Orphanet 65, MedGen C3151206, MONDO:0013457, OMIM 613843.
TULP1-related disorder. Also called: TULP1-related condition; TULP1-related disorders.

Allele frequency attached by ClinVar (database versions not stated): gnomAD exomes 0.00005; ExAC 0.00059.
gnomAD v4.1: 5 of 1,350,182 alleles (0.00037%); highest among the groups gnomAD compares: East Asian, 0.014%; no homozygotes.

Submissions (6):

PreventionGenetics, part of Exact Sciences
Classification: Pathogenic for TULP1-related condition. Last evaluated: 2024-12-19. Review status: criteria provided, single submitter. Criteria: ACMG Guidelines, 2015. Collection method: clinical testing. Allele origin: germline.
Comment: The TULP1 c.187G>T variant is predicted to result in premature protein termination (p.Gly63*). This variant has been reported in individual(s) with retinal disorders (Table S1 in Xu et al 2020. PubMed ID: 31630094; Suppl. Data 1 in Chen et al. 2021. PubMed ID: 33608557). This variant is reported in 0.070% of alleles in individuals of East Asian descent in gnomAD; however, the coverage of this variant in gnomAD v2 should be interpreted with caution. In gnomAD v4 (available only in hg38), this variant is reported in 0.014% of alleles in individuals of East Asian descent. Nonsense variants in TULP1 are expected to be pathogenic. Taken together, this variant is interpreted as pathogenic.

Fulgent Genetics
Classification: Pathogenic for Retinitis pigmentosa 14; Leber congenital amaurosis 15. Last evaluated: 2024-06-20. Review status: criteria provided, single submitter. Criteria: ACMG Guidelines, 2015. Collection method: clinical testing. Allele origin: germline.

Labcorp Genetics (formerly Invitae), Labcorp
Classification: Pathogenic. Last evaluated: 2024-03-02. Review status: criteria provided, single submitter. Criteria: Invitae Variant Classification Sherloc (09022015). Collection method: clinical testing. Allele origin: germline.
Comment: This sequence change creates a premature translational stop signal (p.Gly63*) in the TULP1 gene. It is expected to result in an absent or disrupted protein product. Loss-of-function variants in TULP1 are known to be pathogenic (PMID: 8606774, 10549638, 15024725, 18055821). The frequency data for this variant in the population databases is considered unreliable, as metrics indicate poor data quality at this position in the gnomAD database. This premature translational stop signal has been observed in individual(s) with TULP1-related conditions (PMID: 31630094). ClinVar contains an entry for this variant (Variation ID: 1065768). For these reasons, this variant has been classified as Pathogenic.

Blueprint Genetics
Classification: Pathogenic for TULP1-related disorders. Last evaluated: 2021-09-24. Review status: criteria provided, single submitter. Criteria: ACMG Guidelines, 2015. Collection method: clinical testing. Allele origin: germline. Affected: yes. Observed: 5 variant alleles.

Ocular Genomics Institute, Massachusetts Eye and Ear
Classification: Pathogenic for Retinitis pigmentosa 14. Last evaluated: 2021-04-08. Review status: criteria provided, single submitter. Criteria: ACMG Guidelines, 2015. Collection method: research. Allele origin: germline. Affected: yes.
Comment: Through a review of available evidence we were able to apply the following criteria: PVS1, PM2, PM3. Based on this evidence we have classified this variant as Pathogenic.

Juno Genomics, Hangzhou Juno Genomics, Inc
Classification: Likely pathogenic for Leber congenital amaurosis 15; Retinitis pigmentosa 14. Review status: criteria provided, single submitter. Criteria: ACMG Guidelines, 2015. Collection method: clinical testing. Allele origin: germline.
Comment: Null variant in a gene where loss of function (LOF) is a known mechanism of disease.;Absent from controls (or at extremely low frequency if recessive) in Genome Aggregation Database.

Literature cited by the submitters: PubMed 8606774 (cited by Labcorp Genetics (formerly Invitae), Labcorp); PubMed 10549638 (cited by Labcorp Genetics (formerly Invitae), Labcorp); PubMed 15024725 (cited by Labcorp Genetics (formerly Invitae), Labcorp); PubMed 18055821 (cited by Labcorp Genetics (formerly Invitae), Labcorp); PubMed 31630094 (cited by Labcorp Genetics (formerly Invitae), Labcorp).